The following is an entry in ClinVar:

ClinVar aggregate classification (germline): Uncertain significance (1 of 4 stars; one submission).

Conditions:
Glycogen storage disease due to muscle and heart glycogen synthase deficiency. Also called: MUSCLE GLYCOGEN SYNTHASE DEFICIENCY; GSD 0b. Identifiers: Orphanet 137625, MedGen C1969054, MONDO:0012693, OMIM 611556.

Allele frequency attached by ClinVar (database versions not stated): gnomAD exomes 0.00001; TOPMed 0.00001.
gnomAD v4.1: 12 of 1,613,944 alleles (0.00074%); highest among the groups gnomAD compares: Non-Finnish European, 0.001%; no homozygotes.

Submission:

Labcorp Genetics (formerly Invitae), Labcorp
Classification: Uncertain significance for Glycogen storage disease due to muscle and heart glycogen synthase deficiency. Last evaluated: 2021-12-22. Review status: criteria provided, single submitter. Criteria: Invitae Variant Classification Sherloc (09022015). Collection method: clinical testing. Allele origin: germline.
Comment: This variant is present in population databases (no rsID available, gnomAD 0.0009%). This sequence change replaces methionine, which is neutral and non-polar, with valine, which is neutral and non-polar, at codon 419 of the GYS1 protein (p.Met419Val). This variant has not been reported in the literature in individuals affected with GYS1-related conditions. Algorithms developed to predict the effect of missense changes on protein structure and function (SIFT, PolyPhen-2, Align-GVGD) all suggest that this variant is likely to be tolerated. Algorithms developed to predict the effect of sequence changes on RNA splicing suggest that this variant may create or strengthen a splice site. In summary, the available evidence is currently insufficient to determine the role of this variant in disease. Therefore, it has been classified as a Variant of Uncertain Significance.

NM_002103.5(GYS1):c.1255A>G (p.Met419Val)

Gene: GYS1 (glycogen synthase 1; minus strand). Cytogenetic location: 19q13.33.
Variant type: single nucleotide variant.
Coding change: c.1255A>G on transcript NM_002103.5 (MANE Select); coding-DNA position 1255, A replaced by G.
Protein change: p.Met419Val; replaces methionine 419 with valine.
Molecular consequence: missense variant. On other transcripts: non-coding transcript variant (1).
Genome position (GRCh38, 1-based): chr19:48,977,977, T>C on the plus strand (A>G on the coding strand, the complement: GYS1 is on the minus strand). VCF-style: chr19-48977977-T-C. GRCh37 (hg19) VCF-style: chr19-49481234-T-C.
Other names: c.1063A>G, p.Met355Val (NM_001161587.2); short protein forms M355V, M419V.
Identifiers: ClinVar variation 2168575 (VCV002168575.4), dbSNP rs1213787864, ClinGen allele CA406762170.